The following is an entry in ClinVar:

NM_001105206.3(LAMA4):c.3313G>A (p.Gly1105Ser)

Gene: LAMA4 (laminin subunit alpha 4; minus strand). Cytogenetic location: 6q21.
Variant type: single nucleotide variant.
Coding change: c.3313G>A on transcript NM_001105206.3 (MANE Select); coding-DNA position 3313, G replaced by A.
Protein change: p.Gly1105Ser; replaces glycine 1105 with serine.
Molecular consequence: missense variant.
Genome position (GRCh38, 1-based): chr6:112,136,224, C>T on the plus strand (G>A on the coding strand, the complement: LAMA4 is on the minus strand). VCF-style: chr6-112136224-C-T. GRCh37 (hg19) VCF-style: chr6-112457426-C-T.
Other names: c.3292G>A, p.Gly1098Ser (NM_001105207.3, NM_002290.5); short protein forms G1098S, G1105S.
Identifiers: ClinVar variation 1491411 (VCV001491411.6), dbSNP rs1554331537, ClinGen allele CA365377674.
Genomic context (GRCh38, chr6:112,136,224, plus strand): 5'-TATCTTCAAGATGCACAGGGCCACCGCTGAATCCAAAATCATAGAACACATGTAGGTAAC[C>T]ATTGCGCATTTCCAGTCTGAAAAACATACTCTGAGGAGAGAAAGGAATTGTAAGATAGGA-3'
Protein context (NP_001098676.2, residues 1095-1115): SMFFRLEMRN[Gly1105Ser]YLHVFYDFGF

ClinVar aggregate classification (germline): Uncertain significance (1 of 4 stars; one submission).

Conditions:
Dilated cardiomyopathy 1JJ (CMD1JJ). Identifiers: Orphanet 154, MedGen C3808935, MONDO:0014095, OMIM 615235.

Allele frequency attached by ClinVar (database versions not stated): gnomAD exomes below 0.00001; TOPMed below 0.00001.
gnomAD v4.1: 2 of 1,611,914 alleles (0.00012%); highest among the groups gnomAD compares: Non-Finnish European, 0.000085%; no homozygotes.

Submission:

Labcorp Genetics (formerly Invitae), Labcorp
Classification: Uncertain significance for Dilated cardiomyopathy 1JJ. Last evaluated: 2021-10-14. Review status: criteria provided, single submitter. Criteria: Invitae Variant Classification Sherloc (09022015). Collection method: clinical testing. Allele origin: germline.
Comment: Algorithms developed to predict the effect of missense changes on protein structure and function (SIFT, PolyPhen-2, Align-GVGD) all suggest that this variant is likely to be disruptive. This variant has not been reported in the literature in individuals affected with LAMA4-related conditions. This variant is not present in population databases (ExAC no frequency). In summary, the available evidence is currently insufficient to determine the role of this variant in disease. Therefore, it has been classified as a Variant of Uncertain Significance. This sequence change replaces glycine with serine at codon 1098 of the LAMA4 protein (p.Gly1098Ser). The glycine residue is highly conserved and there is a small physicochemical difference between glycine and serine.